The following is an entry in ClinVar:

ClinVar aggregate classification (germline): Uncertain significance (1 of 4 stars; one submission).

Conditions:
POLD1-related polyposis and colorectal cancer syndrome (CRCS10). Also called: Colorectal cancer 10; COLORECTAL CANCER, SUSCEPTIBILITY TO, ON CHROMOSOME 19q; Colorectal cancer, susceptibility to, 10. Identifiers: Orphanet 220460, MedGen C2675481, MONDO:0012953, OMIM 612591.

Submission:

Labcorp Genetics (formerly Invitae), Labcorp
Classification: Uncertain significance for POLD1-related polyposis and colorectal cancer syndrome. Last evaluated: 2024-08-27. Review status: criteria provided, single submitter. Criteria: Invitae Variant Classification Sherloc (09022015). Collection method: clinical testing. Allele origin: germline.
Comment: This sequence change replaces tyrosine, which is neutral and polar, with asparagine, which is neutral and polar, at codon 801 of the POLD1 protein (p.Tyr801Asn). This variant is not present in population databases (gnomAD no frequency). This variant has not been reported in the literature in individuals affected with POLD1-related conditions. Invitae Evidence Modeling of protein sequence and biophysical properties (such as structural, functional, and spatial information, amino acid conservation, physicochemical variation, residue mobility, and thermodynamic stability) indicates that this missense variant is expected to disrupt POLD1 protein function with a positive predictive value of 80%. In summary, the available evidence is currently insufficient to determine the role of this variant in disease. Therefore, it has been classified as a Variant of Uncertain Significance.

NM_002691.4(POLD1):c.2401T>A (p.Tyr801Asn)

Gene: POLD1 (DNA polymerase delta 1, catalytic subunit; plus strand). Cytogenetic location: 19q13.33.
Variant type: single nucleotide variant.
Coding change: c.2401T>A on transcript NM_002691.4 (MANE Select); coding-DNA position 2401, T replaced by A.
Protein change: p.Tyr801Asn; replaces tyrosine 801 with asparagine.
Molecular consequence: missense variant. On other transcripts: non-coding transcript variant (1).
Genome position (GRCh38, 1-based): chr19:50,414,827, T>A. VCF-style: chr19-50414827-T-A. GRCh37 (hg19) VCF-style: chr19-50918084-T-A.
Other names: c.2401T>A, p.Tyr801Asn (NM_001256849.1); c.2479T>A, p.Tyr827Asn (NM_001308632.1); short protein forms Y801N, Y827N.
Identifiers: ClinVar variation 3663479 (VCV003663479.2).